The following is an entry in ClinVar:

NM_015041.3(CLUAP1):c.399+5G>T

Gene: CLUAP1 (clusterin associated protein 1; plus strand). Cytogenetic location: 16p13.3.
Variant type: single nucleotide variant.
Coding change: c.399+5G>T on transcript NM_015041.3 (MANE Select); 5 bases into the intron after coding-DNA position 399, G replaced by T.
Molecular consequence: intron variant.
Genome position (GRCh38, 1-based): chr16:3,508,473, G>T. VCF-style: chr16-3508473-G-T. GRCh37 (hg19) VCF-style: chr16-3558473-G-T.
Other names: c.399+5G>T (NM_001330454.2).
Identifiers: ClinVar variation 1375108 (VCV001375108.6), dbSNP rs2151045050, ClinGen allele CA2573152030.
Genomic context (GRCh38, chr16:3,508,473, plus strand): 5'-GCTCTGAAATAGTAGAGGAAGATGTCAACAAGTTCAAGTTTGATCTTGGCTCAAAGGTAA[G>T]GACAACAAAAGCCTTGTAGTGGGCGATGGAGCGTTGATTTCTTGAGCTCTGAAGTGGAAG-3'

ClinVar aggregate classification (germline): Uncertain significance (1 of 4 stars; one submission).

gnomAD v4.1: 1 of 1,563,464 alleles (0.000064%); highest among the groups gnomAD compares: Non-Finnish European, 0.000086%; no homozygotes.

Submission:

Labcorp Genetics (formerly Invitae), Labcorp
Classification: Uncertain significance. Last evaluated: 2023-11-13. Review status: criteria provided, single submitter. Criteria: Invitae Variant Classification Sherloc (09022015). Collection method: clinical testing. Allele origin: germline.
Comment: This sequence change falls in intron 4 of the CLUAP1 gene. It does not directly change the encoded amino acid sequence of the CLUAP1 protein. It affects a nucleotide within the consensus splice site. This variant is not present in population databases (gnomAD no frequency). This variant has not been reported in the literature in individuals affected with CLUAP1-related conditions. ClinVar contains an entry for this variant (Variation ID: 1375108). Variants that disrupt the consensus splice site are a relatively common cause of aberrant splicing (PMID: 17576681, 9536098). Algorithms developed to predict the effect of sequence changes on RNA splicing suggest that this variant is not likely to affect RNA splicing. In summary, the available evidence is currently insufficient to determine the role of this variant in disease. Therefore, it has been classified as a Variant of Uncertain Significance.

Literature cited by the submitters: PubMed 17576681; PubMed 9536098.